The following is an entry in ClinVar:

NM_022168.4(IFIH1):c.406del (p.Asp136fs)

Gene: IFIH1 (interferon induced with helicase C domain 1; minus strand). Cytogenetic location: 2q24.2.
Variant type: Deletion.
Coding change: c.406del on transcript NM_022168.4 (MANE Select); coding-DNA position 406, one base deleted (G; older notation c.406delG).
Protein change: p.Asp136fs; shifts the reading frame from aspartic acid 136.
Molecular consequence: frameshift variant.
Genome position (GRCh38, 1-based): chr2:162,317,902, C deleted on the plus strand (G on the coding strand, the reverse complement: IFIH1 is on the minus strand); the first of 2 consecutive C bases (chr2:162,317,902-162,317,903); deleting either gives the same sequence. VCF-style (leftmost placement, unchanged base first): chr2-162317901-TC-T. GRCh37 (hg19) VCF-style: chr2-163174411-TC-T.
Other names: short protein forms D136fs.
Identifiers: ClinVar variation 4852722 (VCV004852722.2).

ClinVar aggregate classification (germline): Uncertain significance (1 of 4 stars; one submission).

Submission:

Dasa
Classification: Uncertain significance. Last evaluated: 2026-03-23. Review status: criteria provided, single submitter. Criteria: DASA Assertion Criteria. Collection method: clinical testing. Allele origin: germline.
Comment: NM_022168.4(IFIH1):c.406del (p.Asp136Ilefs*9) is a frameshift variant in IFIH1 predicted to alter the reading frame and introduce a premature termination codon. This variant is rare in population databases. The currently available literature and clinical evidence are not sufficient to establish a definitive association between this variant and the reported condition. Therefore, this variant is classified as a variant of uncertain significance.